The following is an entry in ClinVar:

NM_001042492.3(NF1):c.6705-4del

Gene: NF1 (neurofibromin 1; plus strand). Cytogenetic location: 17q11.2.
Variant type: Deletion.
Coding change: c.6705-4del on transcript NM_001042492.3 (MANE Select); 4 bases into the intron before coding-DNA position 6705, one base deleted (G; older notation c.6705-4delG).
Molecular consequence: intron variant.
Genome position (GRCh38, 1-based): chr17:31,338,021, G deleted. VCF-style (leftmost placement, unchanged base first): chr17-31338020-TG-T. GRCh37 (hg19) VCF-style: chr17-29665038-TG-T.
Other names: c.6642-4delG (NM_000267.3); c.6642-4del (NM_000267.4).
Identifiers: ClinVar variation 1754649 (VCV001754649.2), dbSNP rs2508758862, ClinGen allele CA2580093132.
Genomic context (GRCh38, chr17:31,338,020, plus strand): 5'-AATTTATTATTTAGTATATATAAACACAAAGGTTTTTATAAGTTCTGTGGATCTTTTAAT[TG>T]CAGATTTGCATTCCAATATAATCCATCCCTGCAACCAAGAGCTCTTGTTGTCTTTGGGTG-3'

ClinVar aggregate classification (germline): Uncertain significance (1 of 4 stars; one submission).

Conditions:
Cardiovascular phenotype. Identifiers: MedGen CN230736.
Hereditary cancer-predisposing syndrome. Also called: Neoplastic Syndromes, Hereditary; Tumor predisposition; Hereditary Cancer Syndrome; Hereditary neoplastic syndrome. Identifiers: Orphanet 140162, MedGen C0027672, MeSH D009386, MONDO:0015356.

Submission:

Ambry Genetics
Classification: Uncertain significance for Cardiovascular phenotype; Hereditary cancer-predisposing syndrome. Last evaluated: 2018-08-09. Review status: criteria provided, single submitter. Criteria: Ambry Variant Classification Scheme 2023. Collection method: clinical testing. Allele origin: germline.
Comment: The c.6642-4delG intronic variant, located in intron 43 of the NF1 gene, results from a deletion of one nucleotide within intron 43 of the NF1 gene. This nucleotide position is well conserved in available vertebrate species. Using the BDGP and ESEfinder splice site prediction tools, the native acceptor site is shifted upstream one nucleotide but this is not predicted to have any significant effect on splicing; however, direct evidence is unavailable. Since supporting evidence is limited at this time, the clinical significance of this alteration remains unclear.